The following is an entry in ClinVar:

ClinVar aggregate classification (germline): Pathogenic/Likely pathogenic. Review status: criteria provided, multiple submitters, no conflicts (2 of 4 stars). 2 submissions from 2 submitters: Pathogenic (1); Likely pathogenic (1). Last evaluated 2025-10-22.

Conditions:
Niemann-Pick disease, type C1. Also called: NEUROVISCERAL STORAGE DISEASE WITH VERTICAL SUPRANUCLEAR OPHTHALMOPLEGIA; NIEMANN-PICK DISEASE WITH CHOLESTEROL ESTERIFICATION BLOCK; NIEMANN-PICK DISEASE WITHOUT SPHINGOMYELINASE DEFICIENCY; NIEMANN-PICK DISEASE, CHRONIC NEURONOPATHIC FORM; NIEMANN-PICK DISEASE, VARIANT TYPE C1. Identifiers: Orphanet 646, MedGen C3179455, MONDO:0009757, OMIM 257220.
Niemann-Pick disease, type C (NPC). Identifiers: Orphanet 646, MedGen C0220756, MONDO:0018982.

Allele frequency attached by ClinVar (database versions not stated): gnomAD exomes below 0.00001; gnomAD 0.00001; ESP Exome Variant Server 0.00008.
gnomAD v4.1: 2 of 1,613,856 alleles (0.00012%); highest among the groups gnomAD compares: Non-Finnish European, 0.00017%; no homozygotes.

Submissions (2):

Labcorp Genetics (formerly Invitae), Labcorp
Classification: Pathogenic for Niemann-Pick disease, type C1. Last evaluated: 2025-10-22. Review status: criteria provided, single submitter. Criteria: Invitae Variant Classification Sherloc (09022015). Collection method: clinical testing. Allele origin: germline.
Comment: This sequence change replaces valine, which is neutral and non-polar, with glycine, which is neutral and non-polar, at codon 1141 of the NPC1 protein (p.Val1141Gly). RNA analysis indicates that this missense change induces altered splicing and likely disrupts the C-terminus of the protein. This variant is present in population databases (rs144725473, gnomAD 0.0009%). This missense change has been observed in individuals with Niemann-Pick disease (PMID: 12401890, 26666848, 27139891). ClinVar contains an entry for this variant (Variation ID: 1358191). Invitae Evidence Modeling of protein sequence and biophysical properties (such as structural, functional, and spatial information, amino acid conservation, physicochemical variation, residue mobility, and thermodynamic stability) indicates that this missense variant is expected to disrupt NPC1 protein function with a positive predictive value of 95%. Studies have shown that this missense change results in partial deletion of exon 22 and introduces a new termination codon (PMID: 12401890). However the mRNA is not expected to undergo nonsense-mediated decay. For these reasons, this variant has been classified as Pathogenic.

Women's Health and Genetics/Laboratory Corporation of America, LabCorp
Classification: Likely pathogenic for Niemann-Pick disease, type C. Last evaluated: 2024-05-04. Review status: criteria provided, single submitter. Criteria: LabCorp Variant Classification Summary - May 2015. Collection method: clinical testing. Allele origin: germline.
Comment: Variant summary: NPC1 c.3422T>G (p.Val1141Gly) results in a non-conservative amino acid change in the encoded protein sequence. Five of five in-silico tools predict a damaging effect of the variant on protein function. Several computational tools predict a significant impact on normal splicing: Four predict the variant creates a cryptic exonic 5' splicing donor site. At least one publication reports experimental evidence that this variant affects mRNA splicing resulting in a 56-nt deletion in exon 22 and leading to a frameshift and a premature stop codon (Tarugi_2002). The variant allele was found at a frequency of 4e-06 in 251098 control chromosomes. c.3422T>G has been reported in the literature as an allele combination in trans with a pathogenic variant or in unknown phase in individuals affected with autosomal recessive Niemann-Pick Disease Type C (Tarugi_2002, Imrie_2015, Mazzacuva_2016). These data suggest that this variant is probably associated with disease. The following publications have been ascertained in the context of this evaluation (PMID: 26666848, 27139891, 12401890). ClinVar contains an entry for this variant (Variation ID: 1358191). Based on the evidence outlined above, the variant was classified as likely pathogenic.

Literature cited by the submitters: PubMed 12401890 (cited by Labcorp Genetics (formerly Invitae), Labcorp and Women's Health and Genetics/Laboratory Corporation of America, LabCorp); PubMed 26666848 (cited by Labcorp Genetics (formerly Invitae), Labcorp and Women's Health and Genetics/Laboratory Corporation of America, LabCorp); PubMed 27139891 (cited by Labcorp Genetics (formerly Invitae), Labcorp and Women's Health and Genetics/Laboratory Corporation of America, LabCorp).

NM_000271.5(NPC1):c.3422T>G (p.Val1141Gly)

Gene: NPC1 (NPC intracellular cholesterol transporter 1; minus strand). Cytogenetic location: 18q11.2.
Variant type: single nucleotide variant.
Coding change: c.3422T>G on transcript NM_000271.5 (MANE Select); coding-DNA position 3422, T replaced by G.
Protein change: p.Val1141Gly; replaces valine 1141 with glycine.
Molecular consequence: missense variant.
Genome position (GRCh38, 1-based): chr18:23,535,524, A>C on the plus strand (T>G on the coding strand, the complement: NPC1 is on the minus strand). VCF-style: chr18-23535524-A-C. GRCh37 (hg19) VCF-style: chr18-21115488-A-C.
Other names: short protein forms V1141G.
Identifiers: ClinVar variation 1358191 (VCV001358191.7), dbSNP rs144725473, ClinGen allele CA297079167.
Genomic context (GRCh38, chr18:23,535,524, plus strand): 5'-CTCACCATCACCAGGTTGACCAAGGATACAGCGTTCAGACTGATGCCCCAGAGCCACATA[A>C]CTCCAAACATGTTGACCAAGACCATGGCGATGGTGGCACACATGATGACTGCAGACCAGA-3'
Protein context (NP_000262.2, residues 1131-1151): IAMVLVNMFG[Val1141Gly]MWLWGISLNA